The following is an entry in ClinVar:

NM_017934.7(PHIP):c.3578A>G (p.Tyr1193Cys)

Genes: IRAK1BP1 (interleukin 1 receptor associated kinase 1 binding protein 1; plus strand), PHIP (PHIP subunit of CUL4-Ring ligase complex; minus strand). Cytogenetic location: 6q14.1.
Variant type: single nucleotide variant.
Coding change: c.3578A>G on transcript NM_017934.7 (MANE Select); coding-DNA position 3578, A replaced by G.
Protein change: p.Tyr1193Cys; replaces tyrosine 1193 with cysteine.
Molecular consequence: missense variant.
Genome position (GRCh38, 1-based): chr6:78,961,768, T>C on the plus strand (A>G on the coding strand, the complement: PHIP is on the minus strand). VCF-style: chr6-78961768-T-C. GRCh37 (hg19) VCF-style: chr6-79671485-T-C.
Other names: short protein forms Y1193C.
Identifiers: ClinVar variation 2236280 (VCV002236280.4), dbSNP rs1766796506, ClinGen allele CA364645787.

ClinVar aggregate classification (germline): Uncertain significance. Review status: criteria provided, multiple submitters, no conflicts (2 of 4 stars). 2 submissions from 2 submitters: Uncertain significance (2). Last evaluated 2023-07-24.

Conditions:
Inborn genetic diseases. Identifiers: MedGen C0950123, MeSH D030342.

Submissions (2):

GeneDx
Classification: Uncertain significance. Last evaluated: 2023-07-24. Review status: criteria provided, single submitter. Criteria: GeneDx Variant Classification Process June 2021. Collection method: clinical testing. Allele origin: germline. Affected: yes.
Comment: Not observed at significant frequency in large population cohorts (gnomAD); In silico analysis supports that this missense variant has a deleterious effect on protein structure/function; Has not been previously published as pathogenic or benign to our knowledge

Ambry Genetics
Classification: Uncertain significance for Inborn genetic diseases. Last evaluated: 2021-07-09. Review status: criteria provided, single submitter. Criteria: Ambry Variant Classification Scheme 2023. Collection method: clinical testing. Allele origin: germline.